The following is an entry in ClinVar:

NM_004947.5(DOCK3):c.4217del (p.Pro1406fs)

Gene: DOCK3 (dedicator of cytokinesis 3; plus strand). Cytogenetic location: 3p21.2.
Variant type: Deletion.
Coding change: c.4217del on transcript NM_004947.5 (MANE Select); coding-DNA position 4217, one base deleted (C; older notation c.4217delC).
Protein change: p.Pro1406fs; shifts the reading frame from proline 1406.
Molecular consequence: frameshift variant.
Genome position (GRCh38, 1-based): chr3:51,354,991, C deleted; the last of 2 consecutive C bases (chr3:51,354,990-51,354,991); deleting either gives the same sequence. VCF-style (leftmost placement, unchanged base first): chr3-51354989-TC-T. GRCh37 (hg19) VCF-style: chr3-51392420-TC-T.
Other names: c.4217delC (NM_004947.5); short protein forms P1406fs.
Identifiers: ClinVar variation 2634425 (VCV002634425.2), dbSNP rs2549285187, ClinGen allele CA2695197907.

ClinVar aggregate classification (germline): Pathogenic/Likely pathogenic. Review status: criteria provided, multiple submitters, no conflicts (2 of 4 stars). 2 submissions from 2 submitters: Pathogenic (1); Likely pathogenic (1). Last evaluated 2026-02-03.

Conditions:
Neurodevelopmental disorder with impaired intellectual development, hypotonia, and ataxia. Identifiers: MedGen C4749014, MONDO:0032661, OMIM 618292.
DOCK3-related disorder. Also called: DOCK3-related condition.

Submissions (2):

Women's Health and Genetics/Laboratory Corporation of America, LabCorp
Classification: Pathogenic for Neurodevelopmental disorder with impaired intellectual development, hypotonia, and ataxia. Last evaluated: 2026-02-03. Review status: criteria provided, single submitter. Criteria: LabCorp Variant Classification Summary - May 2015. Collection method: clinical testing. Allele origin: germline.
Comment: Variant summary: DOCK3 c.4217delC (p.Pro1406LeufsX18) results in a premature termination codon, predicted to cause a truncation of the encoded protein or absence of the protein due to nonsense mediated decay, which are commonly known mechanisms for disease. The variant was absent in 248540 control chromosomes. To our knowledge, no occurrence of c.4217delC in individuals affected with DOCK3-related conditions and no experimental evidence demonstrating its impact on protein function have been reported. ClinVar contains an entry for this variant (Variation ID: 2634425). Based on the evidence outlined above, the variant was classified as pathogenic.

PreventionGenetics, part of Exact Sciences
Classification: Likely pathogenic for DOCK3-related condition. Last evaluated: 2023-04-06. Review status: criteria provided, single submitter. Criteria: ACMG Guidelines, 2015. Collection method: clinical testing. Allele origin: germline.
Comment: The DOCK3 c.4217delC variant is predicted to result in a frameshift and premature protein termination (p.Pro1406Leufs*18). To our knowledge, this variant has not been reported in the literature or in a large population database, indicating this variant is rare. Frameshift variants in DOCK3 are expected to be pathogenic. This variant is interpreted as likely pathogenic.